The following is an entry in ClinVar:

NM_004629.2(FANCG):c.118C>G (p.Gln40Glu)

Gene: FANCG (FA complementation group G; minus strand). Cytogenetic location: 9p13.3.
Variant type: single nucleotide variant.
Coding change: c.118C>G on transcript NM_004629.2 (MANE Select); coding-DNA position 118, C replaced by G.
Protein change: p.Gln40Glu; replaces glutamine 40 with glutamic acid.
Molecular consequence: missense variant.
Genome position (GRCh38, 1-based): chr9:35,079,208, G>C on the plus strand (C>G on the coding strand, the complement: FANCG is on the minus strand). VCF-style: chr9-35079208-G-C. GRCh37 (hg19) VCF-style: chr9-35079205-G-C.
Other names: short protein forms Q40E.
Identifiers: ClinVar variation 4022532 (VCV004022532.1).

ClinVar aggregate classification (germline): Uncertain significance (1 of 4 stars; one submission).

Conditions:
Inborn genetic diseases. Identifiers: MedGen C0950123, MeSH D030342.

gnomAD v4.1: 1 of 1,608,660 alleles (0.000062%); highest among the groups gnomAD compares: Non-Finnish European, 0.000085%; no homozygotes.

Submission:

Ambry Genetics
Classification: Uncertain significance for Inborn genetic diseases. Last evaluated: 2025-05-24. Review status: criteria provided, single submitter. Criteria: Ambry Variant Classification Scheme 2023. Collection method: clinical testing. Allele origin: germline.
Comment: The p.Q40E variant (also known as c.118C>G), located in coding exon 2 of the FANCG gene, results from a C to G substitution at nucleotide position 118. The glutamine at codon 40 is replaced by glutamic acid, an amino acid with highly similar properties. This amino acid position is conserved. In addition, this alteration is predicted to be tolerated by in silico analysis. Based on the available evidence, the clinical significance of this variant remains unclear.